The following is an entry in ClinVar:

NM_000083.3(CLCN1):c.984_989del (p.Ile329_Thr330del)

Gene: CLCN1 (chloride voltage-gated channel 1; plus strand). Cytogenetic location: 7q34.
Variant type: Deletion.
Coding change: c.984_989del on transcript NM_000083.3 (MANE Select); coding-DNA positions 984 to 989, 6 bases deleted (CATCAC; older notation c.984_989delCATCAC).
Protein change: p.Ile329_Thr330del.
Molecular consequence: inframe deletion. On other transcripts: non-coding transcript variant (1).
Genome position (GRCh38, 1-based): chr7:143,331,236-143,331,241, CATCAC deleted; deleting any 6 consecutive bases within chr7:143,331,232-143,331,241 gives the same sequence; the c. name uses the placement nearest the transcript's 3' end. VCF-style (leftmost placement, unchanged base first): chr7-143331231-GTCACCA-G. GRCh37 (hg19) VCF-style: chr7-143028324-GTCACCA-G.
Identifiers: ClinVar variation 2133862 (VCV002133862.4), dbSNP rs2487058892, ClinGen allele CA2580077630.

ClinVar aggregate classification (germline): Uncertain significance (1 of 4 stars; one submission).

Conditions:
Congenital myotonia, autosomal recessive form. Also called: BECKER DISEASE; Becker Generalized Myotonia; myotonia congenita, autosomal recessive. Identifiers: Orphanet 614, MedGen C0751360, MONDO:0009715, OMIM 255700.
Congenital myotonia, autosomal dominant form (THD). Also called: THOMSEN DISEASE; Myotonia congenita autosomal dominant. Identifiers: Orphanet 614, MedGen C2936781, MONDO:0008055, OMIM 160800.

Submission:

Labcorp Genetics (formerly Invitae), Labcorp
Classification: Uncertain significance for Congenital myotonia, autosomal recessive form; Congenital myotonia, autosomal dominant form. Last evaluated: 2023-08-11. Review status: criteria provided, single submitter. Criteria: Invitae Variant Classification Sherloc (09022015). Collection method: clinical testing. Allele origin: germline.
Comment: In summary, the available evidence is currently insufficient to determine the role of this variant in disease. Therefore, it has been classified as a Variant of Uncertain Significance. Algorithms developed to predict the effect of sequence changes on RNA splicing suggest that this variant may disrupt the consensus splice site. Experimental studies and prediction algorithms are not available or were not evaluated, and the functional significance of this variant is currently unknown. ClinVar contains an entry for this variant (Variation ID: 2133862). This variant has not been reported in the literature in individuals affected with CLCN1-related conditions. This variant is not present in population databases (gnomAD no frequency). This variant, c.984_989del, results in the deletion of 2 amino acid(s) of the CLCN1 protein (p.Ile329_Thr330del), but otherwise preserves the integrity of the reading frame.